The following is an entry in ClinVar:

ClinVar aggregate classification (germline): Likely pathogenic (1 of 4 stars; one submission).

Conditions:
Spinal muscular atrophy with congenital bone fractures 2 (SMABF2). Identifiers: MedGen C4225176, MONDO:0014807, OMIM 616867.

Allele frequency attached by ClinVar (database versions not stated): gnomAD 0.00001; TOPMed 0.00001.
gnomAD v4.1: 8 of 1,570,428 alleles (0.00051%); highest among the groups gnomAD compares: Non-Finnish European, 0.0007%; no homozygotes.

Submission:

Illumina Laboratory Services, Illumina
Classification: Likely pathogenic for Spinal muscular atrophy with congenital bone fractures 2. Last evaluated: 2021-01-12. Review status: criteria provided, single submitter. Criteria: ICSLVariantClassificationCriteria RUGD 01 April 2020. Collection method: clinical testing. Allele origin: unknown.
Comment: The ASCC1 c.297-8T>G variant is an intronic variant. This variant is reported in a recent peer-reviewed case report which describes this particular individual (Rosano et al. 2021). This variant is reported in the Genome Aggregation Database in one allele at a frequency of 0.000006 in the Total population (version 3.1.2). Parental RNA analysis demonstrated that this variant results in the production of three transcripts, the wildtype transcript, one resulting in the out-of-frame skipping of exon 5, and another out-of-frame transcript due to the use of an upstream alternate splice site (Rosano et al. 2021). Based on the collective evidence this variant is classified as likely pathogenic for spinal muscular atrophy with congenital bone fractures.

NM_001198800.3(ASCC1):c.213-8T>G

Gene: ASCC1 (activating signal cointegrator 1 complex subunit 1; minus strand). Cytogenetic location: 10q22.1.
Variant type: single nucleotide variant.
Coding change: c.213-8T>G on transcript NM_001198800.3 (MANE Select); 8 bases into the intron before coding-DNA position 213, T replaced by G.
Molecular consequence: intron variant.
Genome position (GRCh38, 1-based): chr10:72,203,532, A>C on the plus strand (T>G on the coding strand, the complement: ASCC1 is on the minus strand). VCF-style: chr10-72203532-A-C. GRCh37 (hg19) VCF-style: chr10-73963290-A-C.
Other names: c.279-8T>G (NM_001369099.1, NM_001369086.1, NM_001369085.1); c.213-8T>G (NM_001369112.1, NM_001369108.1, NM_001369103.1 and 18 more transcripts); c.297-8T>G (NM_001198799.3); c.96-8T>G (NM_001369105.1, NM_001369102.1, NM_001369106.1 and 2 more transcripts).
Identifiers: ClinVar variation 3062021 (VCV003062021.1), dbSNP rs1856793994, ClinGen allele CA929821105.